The following is an entry in ClinVar:

NC_000005.10:g.(?_112815495)_(112821991_?)del

Gene: APC (APC regulator of Wnt signaling pathway; plus strand). Cytogenetic location: 5q22.2.
Variant type: Deletion.
Identifiers: ClinVar variation 417558 (VCV000417558.1).

ClinVar aggregate classification (germline): Pathogenic (1 of 4 stars; one submission).

Conditions:
Familial adenomatous polyposis 1 (FAP1). Also called: FAMILIAL ADENOMATOUS POLYPOSIS 1, ATTENUATED; POLYPOSIS, ADENOMATOUS INTESTINAL. Identifiers: MedGen C2713442, MONDO:0021056, OMIM 175100. Disease mechanism: loss of function.

Submission:

Labcorp Genetics (formerly Invitae), Labcorp
Classification: Pathogenic for Familial adenomatous polyposis 1. Last evaluated: 2016-06-10. Review status: criteria provided, single submitter. Criteria: Invitae Variant Classification Sherloc (09022015). Collection method: clinical testing. Allele origin: germline.
Comment: This variant is a gross deletion of the genomic region encompassing exons 9-11 of the APC gene. This creates a premature translational stop signal and is expected to result in an absent or disrupted protein product. Truncating variants in APC are known to be pathogenic. A gross deletion encompassing the same exons has been reported in the literature in an individual affected with familial adenomatous polyposis (PMID: 23159591). In the literature, this copy number change is reported as a deletion of exons 8-10. For these reasons, this variant has been classified as Pathogenic.